The following is an entry in ClinVar:

NM_001089.3(ABCA3):c.1452G>A (p.Trp484Ter)

Gene: ABCA3 (ATP binding cassette subfamily A member 3; minus strand). Cytogenetic location: 16p13.3.
Variant type: single nucleotide variant.
Coding change: c.1452G>A on transcript NM_001089.3 (MANE Select); coding-DNA position 1452, G replaced by A.
Protein change: p.Trp484Ter; replaces tryptophan 484 with a stop codon.
Molecular consequence: nonsense.
Genome position (GRCh38, 1-based): chr16:2,303,984, C>T on the plus strand (G>A on the coding strand, the complement: ABCA3 is on the minus strand). VCF-style: chr16-2303984-C-T. GRCh37 (hg19) VCF-style: chr16-2353985-C-T.
Other names: short protein forms W484*.
Identifiers: ClinVar variation 5014205 (VCV005014205.1).

ClinVar aggregate classification (germline): Pathogenic (1 of 4 stars; one submission).

Conditions:
Interstitial lung disease due to ABCA3 deficiency. Also called: PULMONARY ALVEOLAR PROTEINOSIS, CONGENITAL, 3. Identifiers: Orphanet 440402, MedGen C1970456, MONDO:0012582, OMIM 610921.

Submission:

Myriad Genetics, Inc.
Classification: Pathogenic for Interstitial lung disease due to ABCA3 deficiency. Last evaluated: 2025-03-11. Review status: criteria provided, single submitter. Criteria: Myriad Autosomal Dominant, Autosomal Recessive and X-Linked Classification Criteria (2023). Collection method: clinical testing. Allele origin: unknown.
Comment: NM_001089.2(ABCA3):c.1452G>A(W484*) is expected to be pathogenic in the context of surfactant deficiency, ABCA3-related. This variant is predicted to lead to an abnormal or absent protein product due to the creation of a premature termination codon in ABCA3, a gene where loss-of-function variants are known to be pathogenic. Please note: this variant was assessed in the context of healthy population screening.